The following is an entry in ClinVar:

NM_007186.6(CEP250):c.4858G>A (p.Val1620Ile)

Gene: CEP250 (centrosomal protein 250; plus strand). Cytogenetic location: 20q11.22.
Variant type: single nucleotide variant.
Coding change: c.4858G>A on transcript NM_007186.6 (MANE Select); coding-DNA position 4858, G replaced by A.
Protein change: p.Val1620Ile; replaces valine 1620 with isoleucine.
Molecular consequence: missense variant.
Genome position (GRCh38, 1-based): chr20:35,503,227, G>A. VCF-style: chr20-35503227-G-A. GRCh37 (hg19) VCF-style: chr20-34091055-G-A.
Other names: c.2962G>A, p.Val988Ile (NM_001318219.1); short protein forms V1620I, V988I.
Identifiers: ClinVar variation 2163805 (VCV002163805.4), dbSNP rs770116371, ClinGen allele CA9833773.
Genomic context (GRCh38, chr20:35,503,227, plus strand): 5'-AGGAGCCAGGAGCTGCAGGCACAAAGCAGCCAGATCCATGACCTGGAGAGCCACAGCACC[G>A]TTCTGGCAAGAGAGCTGCAGGAGAGGGACCAGGAGGTGAAGTCTCAGCGAGAACAGATCG-3'
Protein context (NP_009117.2, residues 1610-1630): QIHDLESHST[Val1620Ile]LARELQERDQ

ClinVar aggregate classification (germline): Uncertain significance (1 of 4 stars; one submission).

Submission:

Labcorp Genetics (formerly Invitae), Labcorp
Classification: Uncertain significance. Last evaluated: 2022-08-01. Review status: criteria provided, single submitter. Criteria: Invitae Variant Classification Sherloc (09022015). Collection method: clinical testing. Allele origin: germline.
Comment: This variant has not been reported in the literature in individuals affected with CEP250-related conditions. This sequence change replaces valine, which is neutral and non-polar, with isoleucine, which is neutral and non-polar, at codon 1620 of the CEP250 protein (p.Val1620Ile). This variant is present in population databases (rs770116371, gnomAD 0.002%). Algorithms developed to predict the effect of missense changes on protein structure and function are either unavailable or do not agree on the potential impact of this missense change (SIFT: "Not Available"; PolyPhen-2: "Benign"; Align-GVGD: "Not Available"). In summary, the available evidence is currently insufficient to determine the role of this variant in disease. Therefore, it has been classified as a Variant of Uncertain Significance.